The following is an entry in ClinVar:

NM_002972.4(SBF1):c.835A>G (p.Ser279Gly)

Gene: SBF1 (SET binding factor 1; minus strand). Cytogenetic location: 22q13.33.
Variant type: single nucleotide variant.
Coding change: c.835A>G on transcript NM_002972.4 (MANE Select); coding-DNA position 835, A replaced by G.
Protein change: p.Ser279Gly; replaces serine 279 with glycine.
Molecular consequence: missense variant.
Genome position (GRCh38, 1-based): chr22:50,466,212, T>C on the plus strand (A>G on the coding strand, the complement: SBF1 is on the minus strand). VCF-style: chr22-50466212-T-C. GRCh37 (hg19) VCF-style: chr22-50904641-T-C.
Other names: c.838A>G, p.Ser280Gly (NM_001365819.1); short protein forms S279G, S280G.
Identifiers: ClinVar variation 1488483 (VCV001488483.6), dbSNP rs1229221944, ClinGen allele CA412221194.
Genomic context (GRCh38, chr22:50,466,212, plus strand): 5'-GCTCCTGGGTCTCTGCCTGGAAGGCCGCGTTGACCCCAATGATGAAGGGCGTGGGTGTGC[T>C]GAGGACCTCCAGCAGCTGAGCCGGCAGGATGGGCACATAGGTGAAGCTGTGCAGGCCCCA-3'
Protein context (NP_002963.2, residues 269-289): ILPAQLLEVL[Ser279Gly]TPTPFIIGVN

ClinVar aggregate classification (germline): Uncertain significance (1 of 4 stars; one submission).

Allele frequency attached by ClinVar (database versions not stated): gnomAD exomes below 0.00001.
gnomAD v4.1: 2 of 1,613,434 alleles (0.00012%); highest among the groups gnomAD compares: Non-Finnish European, 0.00017%; no homozygotes.

Submission:

Labcorp Genetics (formerly Invitae), Labcorp
Classification: Uncertain significance. Last evaluated: 2025-06-26. Review status: criteria provided, single submitter. Criteria: Invitae Variant Classification Sherloc (09022015). Collection method: clinical testing. Allele origin: germline.
Comment: This sequence change replaces serine, which is neutral and polar, with glycine, which is neutral and non-polar, at codon 279 of the SBF1 protein (p.Ser279Gly). This variant is present in population databases (no rsID available, gnomAD 0.0009%). This variant has not been reported in the literature in individuals affected with SBF1-related conditions. ClinVar contains an entry for this variant (Variation ID: 1488483). Invitae Evidence Modeling of protein sequence and biophysical properties (such as structural, functional, and spatial information, amino acid conservation, physicochemical variation, residue mobility, and thermodynamic stability) indicates that this missense variant is expected to disrupt SBF1 protein function with a positive predictive value of 80%. In summary, the available evidence is currently insufficient to determine the role of this variant in disease. Therefore, it has been classified as a Variant of Uncertain Significance.